The following is an entry in ClinVar:

NM_003680.4(YARS1):c.622G>A (p.Val208Ile)

Gene: YARS1 (tyrosyl-tRNA synthetase 1; minus strand). Cytogenetic location: 1p35.1.
Variant type: single nucleotide variant.
Coding change: c.622G>A on transcript NM_003680.4 (MANE Select); coding-DNA position 622, G replaced by A.
Protein change: p.Val208Ile; replaces valine 208 with isoleucine.
Molecular consequence: missense variant.
Genome position (GRCh38, 1-based): chr1:32,791,224, C>T on the plus strand (G>A on the coding strand, the complement: YARS1 is on the minus strand). VCF-style: chr1-32791224-C-T. GRCh37 (hg19) VCF-style: chr1-33256825-C-T.
Other names: short protein forms V208I.
Identifiers: ClinVar variation 2020707 (VCV002020707.4), dbSNP rs756950806, ClinGen allele CA339686415.

ClinVar aggregate classification (germline): Uncertain significance (1 of 4 stars; one submission).

Conditions:
Charcot-Marie-Tooth disease dominant intermediate C (CMTDIC). Also called: CHARCOT-MARIE-TOOTH NEUROPATHY, DOMINANT INTERMEDIATE C. Identifiers: Orphanet 100045, MedGen C1842237, MONDO:0012012, OMIM 608323.

Submission:

Labcorp Genetics (formerly Invitae), Labcorp
Classification: Uncertain significance for Charcot-Marie-Tooth disease dominant intermediate C. Last evaluated: 2022-10-17. Review status: criteria provided, single submitter. Criteria: Invitae Variant Classification Sherloc (09022015). Collection method: clinical testing. Allele origin: germline.
Comment: This sequence change replaces valine, which is neutral and non-polar, with isoleucine, which is neutral and non-polar, at codon 208 of the YARS protein (p.Val208Ile). This variant is not present in population databases (gnomAD no frequency). In summary, the available evidence is currently insufficient to determine the role of this variant in disease. Therefore, it has been classified as a Variant of Uncertain Significance. Advanced modeling of protein sequence and biophysical properties (such as structural, functional, and spatial information, amino acid conservation, physicochemical variation, residue mobility, and thermodynamic stability) performed at Invitae indicates that this missense variant is not expected to disrupt YARS protein function. This variant has not been reported in the literature in individuals affected with YARS-related conditions.